The following is an entry in ClinVar:

NM_018023.5(YEATS2):c.2998G>A (p.Ala1000Thr)

Gene: YEATS2 (YEATS domain containing 2; plus strand). Cytogenetic location: 3q27.1.
Variant type: single nucleotide variant.
Coding change: c.2998G>A on transcript NM_018023.5 (MANE Select); coding-DNA position 2998, G replaced by A.
Protein change: p.Ala1000Thr; replaces alanine 1000 with threonine.
Molecular consequence: missense variant.
Genome position (GRCh38, 1-based): chr3:183,790,881, G>A. VCF-style: chr3-183790881-G-A. GRCh37 (hg19) VCF-style: chr3-183508669-G-A.
Other names: c.2998G>A, p.Ala1000Thr (NM_001351369.2, NM_001351371.2); c.3001G>A, p.Ala1001Thr (NM_001351370.2); short protein forms A1000T, A1001T.
Identifiers: ClinVar variation 774440 (VCV000774440.28), dbSNP rs188928313, ClinGen allele CA2722724.
Genomic context (GRCh38, chr3:183,790,881, plus strand): 5'-TCATCTACGGTCAGTTCTGTAACGAAAACTTCTGGGCAGCAGCAAGTGTGTGTGAGCCAG[G>A]CCACCGTGGGAACCTGCAAGGCTGCCACCCCCACCGTCGTCAGCGCCACGTCCCTCGTGC-3'
Protein context (NP_060493.3, residues 990-1010): SGQQQVCVSQ[Ala1000Thr]TVGTCKAATP

ClinVar aggregate classification (germline): Benign/Likely benign. Review status: criteria provided, multiple submitters, no conflicts (2 of 4 stars). 3 submissions from 3 submitters: Benign (2); Likely benign (1). Last evaluated 2024-11-25.

Allele frequency attached by ClinVar (database versions not stated): 1000 Genomes Project 0.00120; 1000 Genomes Project 30x 0.00125; gnomAD exomes 0.00283 and 0.00505; ExAC 0.00284; TOPMed 0.00311; gnomAD 0.00336 and 0.00353; ESP Exome Variant Server 0.00525.
gnomAD v4.1: 7,778 of 1,614,100 alleles (0.48%); highest among the groups gnomAD compares: Non-Finnish European, 0.63%; 29 homozygotes.

Submissions (3):

Blueprint Genetics
Classification: Likely benign. Last evaluated: 2024-11-25. Review status: criteria provided, single submitter. Criteria: ACMG Guidelines, 2015. Collection method: clinical testing. Allele origin: germline.

CeGaT Center for Human Genetics Tuebingen
Classification: Benign. Last evaluated: 2022-10-01. Review status: criteria provided, single submitter. Criteria: CeGaT Center For Human Genetics Tuebingen Variant Classification Criteria Version 2. Collection method: clinical testing. Allele origin: germline. Affected: yes. Observed: 1 variant allele.
Comment: YEATS2: BP4, BS1, BS2

Labcorp Genetics (formerly Invitae), Labcorp
Classification: Benign. Last evaluated: 2018-06-22. Review status: criteria provided, single submitter. Criteria: Invitae Variant Classification Sherloc (09022015). Collection method: clinical testing. Allele origin: germline.